The following is an entry in ClinVar:

NM_024101.7(MLPH):c.1508C>T (p.Ser503Leu)

Gene: MLPH (melanophilin; plus strand). Cytogenetic location: 2q37.3.
Variant type: single nucleotide variant.
Coding change: c.1508C>T on transcript NM_024101.7 (MANE Select); coding-DNA position 1508, C replaced by T.
Protein change: p.Ser503Leu; replaces serine 503 with leucine.
Molecular consequence: missense variant. On other transcripts: non-coding transcript variant (1).
Genome position (GRCh38, 1-based): chr2:237,542,628, C>T. VCF-style: chr2-237542628-C-T. GRCh37 (hg19) VCF-style: chr2-238451271-C-T.
Other names: c.1424C>T, p.Ser475Leu (NM_001042467.3); c.1148C>T, p.Ser383Leu (NM_001281473.2); c.1079C>T, p.Ser360Leu (NM_001281474.2); short protein forms S360L, S383L, S475L, S503L.
Identifiers: ClinVar variation 775835 (VCV000775835.17), dbSNP rs146485666, ClinGen allele CA2190630.

ClinVar aggregate classification (germline): Benign/Likely benign. Review status: criteria provided, multiple submitters, no conflicts (2 of 4 stars). 5 submissions from 5 submitters: Benign (3); Likely benign (1). 1 of the submissions does not count toward it. Last evaluated 2025-11-29.

Conditions:
MLPH-related disorder. Also called: MLPH-related condition.

Allele frequency attached by ClinVar (database versions not stated): gnomAD exomes 0.00071 and 0.00162; ExAC 0.00427; gnomAD 0.00633 and 0.00685; 1000 Genomes Project 0.00699; TOPMed 0.00762; 1000 Genomes Project 30x 0.00796; ESP Exome Variant Server 0.00820.

Submissions (5):

Labcorp Genetics (formerly Invitae), Labcorp
Classification: Benign. Last evaluated: 2025-11-29. Review status: criteria provided, single submitter. Criteria: Invitae Variant Classification Sherloc (09022015). Collection method: clinical testing. Allele origin: germline.

Blueprint Genetics
Classification: Likely benign. Last evaluated: 2024-11-14. Review status: criteria provided, single submitter. Criteria: ACMG Guidelines, 2015. Collection method: clinical testing. Allele origin: germline.

Genetic Services Laboratory, University of Chicago
Classification: Benign. Last evaluated: 2017-09-18. Review status: criteria provided, single submitter. Criteria: ACMG Guidelines, 2015. Collection method: clinical testing. Allele origin: germline. Affected: no.

Breakthrough Genomics
Classification: Benign. Review status: criteria provided, single submitter. Criteria: ACMG Guidelines, 2015. Collection method: not provided. Allele origin: germline. Inheritance: Autosomal recessive inheritance. Affected: yes.

PreventionGenetics, part of Exact Sciences
Classification: Benign for MLPH-related condition. Last evaluated: 2019-04-02. Review status: no assertion criteria provided. Collection method: clinical testing. Allele origin: germline. Not counted in ClinVar's aggregate classification.
Comment: This variant is classified as benign based on ACMG/AMP sequence variant interpretation guidelines (Richards et al. 2015 PMID: 25741868, with internal and published modifications).